The following is an entry in ClinVar:

NM_001377295.2(GNAT2):c.526C>T (p.Arg176Ter)

Gene: GNAT2 (G protein subunit alpha transducin 2; minus strand). Cytogenetic location: 1p13.3.
Variant type: single nucleotide variant.
Coding change: c.526C>T on transcript NM_001377295.2 (MANE Select); coding-DNA position 526, C replaced by T.
Protein change: p.Arg176Ter; replaces arginine 176 with a stop codon.
Molecular consequence: nonsense.
Genome position (GRCh38, 1-based): chr1:109,606,372, G>A on the plus strand (C>T on the coding strand, the complement: GNAT2 is on the minus strand). VCF-style: chr1-109606372-G-A. GRCh37 (hg19) VCF-style: chr1-110148994-G-A.
Other names: c.526C>T, p.Arg176Ter (NM_001379232.1, NM_005272.5); short protein forms R176*.
Identifiers: ClinVar variation 4769017 (VCV004769017.1).

ClinVar aggregate classification (germline): Pathogenic (1 of 4 stars; one submission).

gnomAD v4.1: 7 of 1,610,814 alleles (0.00043%); highest among the groups gnomAD compares: South Asian, 0.0033%; no homozygotes.

Submission:

Labcorp Genetics (formerly Invitae), Labcorp
Classification: Pathogenic. Last evaluated: 2025-09-18. Review status: criteria provided, single submitter. Criteria: Invitae Variant Classification Sherloc (09022015). Collection method: clinical testing. Allele origin: germline.
Comment: This sequence change creates a premature translational stop signal (p.Arg176*) in the GNAT2 gene. It is expected to result in an absent or disrupted protein product. Loss-of-function variants in GNAT2 are known to be pathogenic (PMID: 12077706). This variant is present in population databases (rs779949808, gnomAD 0.006%). This variant has not been reported in the literature in individuals affected with GNAT2-related conditions. For these reasons, this variant has been classified as Pathogenic.

Literature cited by the submitters: PubMed 12077706.